The following is an entry in ClinVar:

NM_003560.4(PLA2G6):c.1501G>C (p.Glu501Gln)

Gene: PLA2G6 (phospholipase A2 group VI; minus strand). Cytogenetic location: 22q13.1.
Variant type: single nucleotide variant.
Coding change: c.1501G>C on transcript NM_003560.4 (MANE Select); coding-DNA position 1501, G replaced by C.
Protein change: p.Glu501Gln; replaces glutamic acid 501 with glutamine.
Molecular consequence: missense variant.
Genome position (GRCh38, 1-based): chr22:38,123,185, C>G on the plus strand (G>C on the coding strand, the complement: PLA2G6 is on the minus strand). VCF-style: chr22-38123185-C-G. GRCh37 (hg19) VCF-style: chr22-38519192-C-G.
Other names: c.1339G>C, p.Glu447Gln (NM_001199562.3, NM_001349865.2, NM_001349866.2 and 1 more transcripts); c.1501G>C, p.Glu501Gln (NM_001349864.2); c.967G>C, p.Glu323Gln (NM_001349867.2); c.823G>C, p.Glu275Gln (NM_001349868.2); c.805G>C, p.Glu269Gln (NM_001349869.2); short protein forms E501Q, E275Q, E447Q, E269Q, E323Q.
Identifiers: ClinVar variation 159733 (VCV000159733.17), dbSNP rs587784332, ClinGen allele CA173208.

ClinVar aggregate classification (germline): Conflicting classifications of pathogenicity. Review status: criteria provided, conflicting classifications (1 of 4 stars). 5 submissions from 5 submitters: Pathogenic (2); Likely pathogenic (2); Uncertain significance (1). Last evaluated 2024-03-13.

Conditions:
Autosomal recessive Parkinson disease 14. Also called: DYSTONIA-PARKINSONISM, ADULT-ONSET; PARKINSON DISEASE 14. Identifiers: Orphanet 199351, MedGen C2751842, MONDO:0013060, OMIM 612953.
Infantile neuroaxonal dystrophy (NBIA2A). Also called: Infantile neuroaxonal dystrophy 1; SEITELBERGER DISEASE; NEURODEGENERATION WITH BRAIN IRON ACCUMULATION 2A. Identifiers: Orphanet 35069, MedGen C0270724, MONDO:0024457, OMIM 256600.
Neurodegeneration with brain iron accumulation 2B. Also called: NEUROAXONAL DYSTROPHY, ATYPICAL; NEURODEGENERATION WITH BRAIN IRON ACCUMULATION, PLA2G6-RELATED; aNAD; atypical Neuroaxonal Dystrophy (aNAD). Identifiers: Orphanet 35069, MedGen C1857747, MONDO:0012444, OMIM 610217.
Iron accumulation in brain. Identifiers: MedGen C4021076, HP:0012675.

Allele frequency attached by ClinVar (database versions not stated): TOPMed 0.00001; gnomAD exomes 0.00001.
gnomAD v4.1: 6 of 1,552,570 alleles (0.00039%); highest among the groups gnomAD compares: Non-Finnish European, 0.00052%; no homozygotes.

Submissions (5):

Fulgent Genetics
Classification: Likely pathogenic for Infantile neuroaxonal dystrophy; Neurodegeneration with brain iron accumulation 2B; Autosomal recessive Parkinson disease 14. Last evaluated: 2024-03-13. Review status: criteria provided, single submitter. Criteria: ACMG Guidelines, 2015. Collection method: clinical testing. Allele origin: germline.

Labcorp Genetics (formerly Invitae), Labcorp
Classification: Pathogenic for Infantile neuroaxonal dystrophy. Last evaluated: 2023-10-25. Review status: criteria provided, single submitter. Criteria: Invitae Variant Classification Sherloc (09022015). Collection method: clinical testing. Allele origin: germline.
Comment: This sequence change replaces glutamic acid, which is acidic and polar, with glutamine, which is neutral and polar, at codon 501 of the PLA2G6 protein (p.Glu501Gln). This variant is present in population databases (rs587784332, gnomAD 0.002%). This missense change has been observed in individual(s) with infantile neuroaxonal dystrophy (PMID: 16783378). In at least one individual the data is consistent with being in trans (on the opposite chromosome) from a pathogenic variant. ClinVar contains an entry for this variant (Variation ID: 159733). Advanced modeling of protein sequence and biophysical properties (such as structural, functional, and spatial information, amino acid conservation, physicochemical variation, residue mobility, and thermodynamic stability) performed at Invitae indicates that this missense variant is not expected to disrupt PLA2G6 protein function with a negative predictive value of 80%. For these reasons, this variant has been classified as Pathogenic.

Women's Health and Genetics/Laboratory Corporation of America, LabCorp
Classification: Uncertain significance. Last evaluated: 2022-11-15. Review status: criteria provided, single submitter. Criteria: LabCorp Variant Classification Summary - May 2015. Collection method: clinical testing. Allele origin: germline.
Comment: Variant summary: PLA2G6 c.1501G>C (p.Glu501Gln) results in a conservative amino acid change located in the Patatin-like phospholipase domain (IPR002641) of the encoded protein sequence. Four of five in-silico tools predict a damaging effect of the variant on protein function. The variant allele was found at a frequency of 6.3e-06 in 159512 control chromosomes. The available data on variant occurrences in the general population are insufficient to allow any conclusion about variant significance. c.1501G>C has been reported in the literature as a compound heterozygous genotype in one individual affected with Infantile Neuroaxonal Dystrophy a type of Neurodegeneration With Brain Iron Accumulation. These data do not allow any conclusion about variant significance. To our knowledge, no experimental evidence demonstrating an impact on protein function has been reported. Two clinical diagnostic laboratories have submitted clinical-significance assessments for this variant to ClinVar after 2014 without evidence for independent evaluation. One laboratory classified the variant as pathogenic, and one laboratory classified the variant as uncertain significance. Based on the evidence outlined above, the variant was classified as uncertain significance.

Genetic Services Laboratory, University of Chicago
Classification: Pathogenic for iron accumulation in brain. Last evaluated: 2013-02-08. Review status: criteria provided, single submitter. Criteria: ACMG Guidelines, 2007. Collection method: clinical testing. Allele origin: germline. Inheritance: Autosomal recessive inheritance. Affected: yes.

Baylor Genetics
Classification: Likely pathogenic for Infantile neuroaxonal dystrophy. Review status: criteria provided, single submitter. Criteria: ACMG Guidelines, 2015. Collection method: clinical testing. Allele origin: unknown.

Literature cited by the submitters: PubMed 16783378 (cited by Labcorp Genetics (formerly Invitae), Labcorp and Women's Health and Genetics/Laboratory Corporation of America, LabCorp); PubMed 25326635 (cited by Baylor Genetics).